The following is an entry in ClinVar:

ClinVar aggregate classification (germline): Uncertain significance (1 of 4 stars; one submission).

Conditions:
Hereditary cancer-predisposing syndrome. Also called: Neoplastic Syndromes, Hereditary; Tumor predisposition; Hereditary neoplastic syndrome; Hereditary Cancer Syndrome. Identifiers: Orphanet 140162, MedGen C0027672, MeSH D009386, MONDO:0015356.

Allele frequency attached by ClinVar (database versions not stated): gnomAD 0.00001.
gnomAD v4.1: 1 of 1,612,582 alleles (0.000062%); highest among the groups gnomAD compares: Non-Finnish European, 0.000085%; no homozygotes.

Submission:

Ambry Genetics
Classification: Uncertain significance for Hereditary cancer-predisposing syndrome. Last evaluated: 2023-12-23. Review status: criteria provided, single submitter. Criteria: Ambry Variant Classification Scheme 2023. Collection method: clinical testing. Allele origin: germline.
Comment: The p.S417P variant (also known as c.1249T>C), located in coding exon 10 of the POT1 gene, results from a T to C substitution at nucleotide position 1249. The serine at codon 417 is replaced by proline, an amino acid with similar properties. This amino acid position is conserved. In addition, this alteration is predicted to be tolerated by in silico analysis. Since supporting evidence is limited at this time, the clinical significance of this alteration remains unclear.

NM_015450.3(POT1):c.1249T>C (p.Ser417Pro)

Gene: POT1 (protection of telomeres 1; minus strand). Cytogenetic location: 7q31.33.
Variant type: single nucleotide variant.
Coding change: c.1249T>C on transcript NM_015450.3 (MANE Select); coding-DNA position 1249, T replaced by C.
Protein change: p.Ser417Pro; replaces serine 417 with proline.
Molecular consequence: missense variant. On other transcripts: non-coding transcript variant (3).
Genome position (GRCh38, 1-based): chr7:124,841,093, A>G on the plus strand (T>C on the coding strand, the complement: POT1 is on the minus strand). VCF-style: chr7-124841093-A-G. GRCh37 (hg19) VCF-style: chr7-124481147-A-G.
Other names: c.856T>C, p.Ser286Pro (NM_001042594.2); short protein forms S286P, S417P.
Identifiers: ClinVar variation 3226653 (VCV003226653.1), dbSNP rs1348018882, ClinGen allele CA369067436.